The following is an entry in ClinVar:

ClinVar aggregate classification (germline): Uncertain significance. Review status: criteria provided, multiple submitters, no conflicts (2 of 4 stars). 3 submissions from 3 submitters: Uncertain significance (3). Last evaluated 2026-01-27.

Conditions:
Familial thoracic aortic aneurysm and aortic dissection (TAAD). Also called: Thoracic aortic aneurysms and dissections. Identifiers: Orphanet 91387, MedGen C4707243, MONDO:0019625.
Aortic aneurysm, familial thoracic 7 (AAT7). Also called: AORTIC DISSECTION, FAMILIAL, WITH OR WITHOUT AORTIC ANEURYSM. Identifiers: MedGen C3151077, MONDO:0013418, OMIM 613780.

Allele frequency attached by ClinVar (database versions not stated): ExAC 0.00001; gnomAD 0.00001; gnomAD exomes 0.00001; TOPMed 0.00001.
gnomAD v4.1: 13 of 1,614,062 alleles (0.00081%); highest among the groups gnomAD compares: Non-Finnish European, 0.001%; no homozygotes.

Submissions (3):

GeneDx
Classification: Uncertain significance. Last evaluated: 2026-01-27. Review status: criteria provided, single submitter. Criteria: GeneDx Variant Classification Process June 2021. Collection method: clinical testing. Allele origin: germline. Affected: yes.
Comment: Has not been previously published as pathogenic or benign to our knowledge; Not observed at significant frequency in large population cohorts (gnomAD); In silico analysis supports that this missense variant does not alter protein structure/function

Labcorp Genetics (formerly Invitae), Labcorp
Classification: Uncertain significance for Aortic aneurysm, familial thoracic 7. Last evaluated: 2025-02-27. Review status: criteria provided, single submitter. Criteria: Invitae Variant Classification Sherloc (09022015). Collection method: clinical testing. Allele origin: germline.
Comment: This sequence change replaces aspartic acid, which is acidic and polar, with glycine, which is neutral and non-polar, at codon 764 of the MYLK protein (p.Asp764Gly). The frequency data for this variant in the population databases is considered unreliable, as metrics indicate poor data quality at this position in the gnomAD database. This variant has not been reported in the literature in individuals affected with MYLK-related conditions. ClinVar contains an entry for this variant (Variation ID: 519994). Invitae Evidence Modeling of protein sequence and biophysical properties (such as structural, functional, and spatial information, amino acid conservation, physicochemical variation, residue mobility, and thermodynamic stability) indicates that this missense variant is not expected to disrupt MYLK protein function with a negative predictive value of 80%. In summary, the available evidence is currently insufficient to determine the role of this variant in disease. Therefore, it has been classified as a Variant of Uncertain Significance.

Ambry Genetics
Classification: Uncertain significance for Familial thoracic aortic aneurysm and aortic dissection. Last evaluated: 2024-01-27. Review status: criteria provided, single submitter. Criteria: Ambry Variant Classification Scheme 2023. Collection method: clinical testing. Allele origin: germline.
Comment: The p.D764G variant (also known as c.2291A>G), located in coding exon 13 of the MYLK gene, results from an A to G substitution at nucleotide position 2291. The aspartic acid at codon 764 is replaced by glycine, an amino acid with similar properties. Based on data from ExAC, the G allele has an overall frequency less than 0.01% (1/106190). This amino acid position is not well conserved in available vertebrate species, and glycine is the reference amino acid in other vertebrate species. In addition, this alteration is predicted to be tolerated by in silico analysis. Since supporting evidence is limited at this time, the clinical significance of this alteration remains unclear.

NM_053025.4(MYLK):c.2291A>G (p.Asp764Gly)

Gene: MYLK (myosin light chain kinase; minus strand). Cytogenetic location: 3q21.1.
Variant type: single nucleotide variant.
Coding change: c.2291A>G on transcript NM_053025.4 (MANE Select); coding-DNA position 2291, A replaced by G.
Protein change: p.Asp764Gly; replaces aspartic acid 764 with glycine.
Molecular consequence: missense variant.
Genome position (GRCh38, 1-based): chr3:123,707,853, T>C on the plus strand (A>G on the coding strand, the complement: MYLK is on the minus strand). VCF-style: chr3-123707853-T-C. GRCh37 (hg19) VCF-style: chr3-123426700-T-C.
Other names: c.1763A>G, p.Asp588Gly (NM_001321309.2); c.2084A>G, p.Asp695Gly (NM_053026.4, NM_053028.4); c.2291A>G, p.Asp764Gly (NM_053027.4); short protein forms D764G, D588G, D695G.
Identifiers: ClinVar variation 519994 (VCV000519994.10), dbSNP rs763243524, ClinGen allele CA068360.